The following is an entry in ClinVar:

NM_001127222.2(CACNA1A):c.4795del (p.Val1599fs)

Gene: CACNA1A (calcium voltage-gated channel subunit alpha1 A; minus strand). Cytogenetic location: 19p13.13.
Variant type: Deletion.
Coding change: c.4795del on transcript NM_001127222.2 (MANE Select); coding-DNA position 4795, one base deleted (G; older notation c.4795delG).
Protein change: p.Val1599fs; shifts the reading frame from valine 1599.
Molecular consequence: frameshift variant.
Genome position (GRCh38, 1-based): chr19:13,253,062, C deleted on the plus strand (G on the coding strand, the reverse complement: CACNA1A is on the minus strand); the first of 3 consecutive C bases (chr19:13,253,062-13,253,064); deleting any one gives the same sequence. VCF-style (leftmost placement, unchanged base first): chr19-13253061-AC-A. GRCh37 (hg19) VCF-style: chr19-13363875-AC-A.
Other names: c.4807del, p.Val1603fs (NM_000068.4, NM_023035.3); c.4798del, p.Val1600fs (NM_001127221.2, NM_001174080.2); short protein forms V1599fs, V1600fs, V1603fs.
Identifiers: ClinVar variation 1075289 (VCV001075289.9), dbSNP rs2144726142, ClinGen allele CA2499225385.

ClinVar aggregate classification (germline): Pathogenic (1 of 4 stars; one submission).

Conditions:
Developmental and epileptic encephalopathy, 42 (DEE42A). Also called: DEVELOPMENTAL AND EPILEPTIC ENCEPHALOPATHY 42A; EPILEPTIC ENCEPHALOPATHY, EARLY INFANTILE, 42A; Epileptic encephalopathy, early infantile, 42. Identifiers: MedGen C4310716, MONDO:0014917, OMIM 617106.
Episodic ataxia type 2 (EA2). Also called: EPISODIC ATAXIA, NYSTAGMUS-ASSOCIATED; ACETAZOLAMIDE-RESPONSIVE HEREDITARY PAROXYSMAL CEREBELLAR ATAXIA; ATAXIA, EPISODIC, WITH NYSTAGMUS; ATAXIA, FAMILIAL PAROXYSMAL; CEREBELLAR ATAXIA, PAROXYSMAL, ACETAZOLAMIDE-RESPONSIVE; CEREBELLOPATHY, HEREDITARY PAROXYSMAL. Identifiers: Orphanet 97, MedGen C1720416, MONDO:0007163, OMIM 108500.

Submission:

Labcorp Genetics (formerly Invitae), Labcorp
Classification: Pathogenic for Developmental and epileptic encephalopathy, 42; Episodic ataxia type 2. Last evaluated: 2020-02-18. Review status: criteria provided, single submitter. Criteria: Invitae Variant Classification Sherloc (09022015). Collection method: clinical testing. Allele origin: germline.
Comment: This sequence change creates a premature translational stop signal (p.Val1600Cysfs*16) in the CACNA1A gene. It is expected to result in an absent or disrupted protein product. This variant is not present in population databases (ExAC no frequency). This variant has not been reported in the literature in individuals with CACNA1A-related conditions. Loss-of-function variants in CACNA1A are known to be pathogenic (PMID: 10371528, 19486177, 25735478, 27250579). For these reasons, this variant has been classified as Pathogenic.

Literature cited by the submitters: PubMed 10371528; PubMed 19486177; PubMed 25735478; PubMed 27250579.